The following is an entry in ClinVar:

ClinVar aggregate classification (germline): Uncertain significance (1 of 4 stars; one submission).

Conditions:
Hereditary cancer-predisposing syndrome. Also called: Hereditary Cancer Syndrome; Hereditary neoplastic syndrome; Neoplastic Syndromes, Hereditary; Tumor predisposition. Identifiers: Orphanet 140162, MedGen C0027672, MeSH D009386, MONDO:0015356.

gnomAD v4.1: 1 of 1,596,386 alleles (0.000063%); highest among the groups gnomAD compares: Middle Eastern, 0.017%; no homozygotes.

Submission:

Sema4
Classification: Uncertain significance for Hereditary cancer-predisposing syndrome. Last evaluated: 2021-05-18. Review status: criteria provided, single submitter. Criteria: Sema4 Curation Guidelines. Collection method: curation. Allele origin: germline.
Comment: The BARD1 c.610A>C (p.K204Q) variant has not been reported in the literature to our knowledge. It was not observed in the large and broad cohorts of the Genome Aggregation Database (PMID: 32461654). The variant has not been reported in ClinVar. In silico tools suggest the impact of the variant on protein function is inconclusive, though these predictions have not been confirmed by functional studies. The evidence is insufficient to meet ACMG/AMP criteria for classifying the variant as benign or pathogenic. Thus, the clinical significance of this variant is currently uncertain.

NM_000465.4(BARD1):c.610A>C (p.Lys204Gln)

Gene: BARD1 (BRCA1 associated RING domain 1; minus strand). Cytogenetic location: 2q35.
Variant type: single nucleotide variant.
Coding change: c.610A>C on transcript NM_000465.4 (MANE Select); coding-DNA position 610, A replaced by C.
Protein change: p.Lys204Gln; replaces lysine 204 with glutamine.
Molecular consequence: missense variant. On other transcripts: non-coding transcript variant (2), intron variant (3).
Genome position (GRCh38, 1-based): chr2:214,781,264, T>G on the plus strand (A>C on the coding strand, the complement: BARD1 is on the minus strand). VCF-style: chr2-214781264-T-G. GRCh37 (hg19) VCF-style: chr2-215645988-T-G.
Other names: c.553A>C, p.Lys185Gln (NM_001282543.2); c.158+28148A>C (NM_001282548.2); c.215+15797A>C (NM_001282545.2); c.364+11033A>C (NM_001282549.2); short protein forms K185Q, K204Q.
Identifiers: ClinVar variation 1692447 (VCV001692447.1), dbSNP rs2106111446, ClinGen allele CA350456720.